The following is an entry in ClinVar:

ClinVar aggregate classification (germline): Uncertain significance. Review status: criteria provided, multiple submitters, no conflicts (2 of 4 stars). 2 submissions from 2 submitters: Uncertain significance (2). Last evaluated 2024-11-23.

Conditions:
Hereditary cancer-predisposing syndrome. Also called: Neoplastic Syndromes, Hereditary; Hereditary neoplastic syndrome; Hereditary Cancer Syndrome; Tumor predisposition. Identifiers: Orphanet 140162, MedGen C0027672, MeSH D009386, MONDO:0015356.
Gorlin syndrome. Also called: Nevoid Basal Cell Carcinoma Syndrome; Basal cell nevus syndrome. Identifiers: Orphanet 377, MedGen C0004779, MONDO:0007187.

Submissions (2):

Ambry Genetics
Classification: Uncertain significance for Hereditary cancer-predisposing syndrome. Last evaluated: 2024-11-23. Review status: criteria provided, single submitter. Criteria: Ambry Variant Classification Scheme 2023. Collection method: clinical testing. Allele origin: germline.
Comment: The p.D909H variant (also known as c.2725G>C), located in coding exon 17 of the PTCH1 gene, results from a G to C substitution at nucleotide position 2725. The aspartic acid at codon 909 is replaced by histidine, an amino acid with similar properties. This amino acid position is conserved. In addition, this alteration is predicted to be deleterious by in silico analysis. Based on the available evidence, the clinical significance of this variant remains unclear.

Labcorp Genetics (formerly Invitae), Labcorp
Classification: Uncertain significance for Gorlin syndrome. Last evaluated: 2024-05-06. Review status: criteria provided, single submitter. Criteria: Invitae Variant Classification Sherloc (09022015). Collection method: clinical testing. Allele origin: germline.
Comment: This sequence change replaces aspartic acid, which is acidic and polar, with histidine, which is basic and polar, at codon 909 of the PTCH1 protein (p.Asp909His). This variant is not present in population databases (gnomAD no frequency). This variant has not been reported in the literature in individuals affected with PTCH1-related conditions. ClinVar contains an entry for this variant (Variation ID: 657723). Advanced modeling of protein sequence and biophysical properties (such as structural, functional, and spatial information, amino acid conservation, physicochemical variation, residue mobility, and thermodynamic stability) performed at Invitae indicates that this missense variant is not expected to disrupt PTCH1 protein function with a negative predictive value of 95%. In summary, the available evidence is currently insufficient to determine the role of this variant in disease. Therefore, it has been classified as a Variant of Uncertain Significance.

NM_000264.5(PTCH1):c.2725G>C (p.Asp909His)

Gene: PTCH1 (patched 1; minus strand). Cytogenetic location: 9q22.32.
Variant type: single nucleotide variant.
Coding change: c.2725G>C on transcript NM_000264.5 (MANE Select); coding-DNA position 2725, G replaced by C.
Protein change: p.Asp909His; replaces aspartic acid 909 with histidine.
Molecular consequence: missense variant. On other transcripts: non-coding transcript variant (1).
Genome position (GRCh38, 1-based): chr9:95,459,762, C>G on the plus strand (G>C on the coding strand, the complement: PTCH1 is on the minus strand). VCF-style: chr9-95459762-C-G. GRCh37 (hg19) VCF-style: chr9-98222044-C-G.
Other names: c.2272G>C, p.Asp758His (NM_001083607.3, NM_001083604.3, NM_001083605.3 and 1 more transcripts); c.2569G>C, p.Asp857His (NM_001354918.2); c.2725G>C (NM_000264.3); c.2527G>C, p.Asp843His (NM_001083602.3); c.2722G>C, p.Asp908His (NM_001083603.3); short protein forms D843H, D908H, D758H, D857H, D909H.
Identifiers: ClinVar variation 657723 (VCV000657723.12), dbSNP rs1588545054, ClinGen allele CA374113219.
Genomic context (GRCh38, chr9:95,459,762, plus strand): 5'-TGCTGACCCAAGCCGTCAGGTAGATGTAGAAAGCGCTGGGATTAATGATGCCATCTGCAT[C>G]CACCAGACGCTGTTTAGTCAACTACAAAAACGGGAAGAACAGAGGCCTTTGAGAATGGGG-3'
Protein context (NP_000255.2, residues 899-919): ISQLTKQRLV[Asp909His]ADGIINPSAF